The following is an entry in ClinVar:

NM_001081.4(CUBN):c.2447-5T>A

Gene: CUBN (cubilin; minus strand). Cytogenetic location: 10p13.
Variant type: single nucleotide variant.
Coding change: c.2447-5T>A on transcript NM_001081.4 (MANE Select); 5 bases into the intron before coding-DNA position 2447, T replaced by A.
Molecular consequence: intron variant.
Genome position (GRCh38, 1-based): chr10:17,071,609, A>T on the plus strand (T>A on the coding strand, the complement: CUBN is on the minus strand). VCF-style: chr10-17071609-A-T. GRCh37 (hg19) VCF-style: chr10-17113608-A-T.
Identifiers: ClinVar variation 3030826 (VCV003030826.2), dbSNP rs2491987642, ClinGen allele CA2740092971.

ClinVar aggregate classification (germline): Likely benign (0 of 4 stars; one submission).

Conditions:
CUBN-related disorder. Also called: CUBN-related condition.

Submission:

PreventionGenetics, part of Exact Sciences
Classification: Likely benign for CUBN-related condition. Last evaluated: 2021-04-06. Review status: no assertion criteria provided. Collection method: clinical testing. Allele origin: germline.
Comment: This variant is classified as likely benign based on ACMG/AMP sequence variant interpretation guidelines (Richards et al. 2015 PMID: 25741868, with internal and published modifications).